The following is an entry in ClinVar:

ClinVar aggregate classification (germline): Uncertain significance (1 of 4 stars; one submission).

Submission:

Labcorp Genetics (formerly Invitae), Labcorp
Classification: Uncertain significance. Last evaluated: 2020-10-02. Review status: criteria provided, single submitter. Criteria: Invitae Variant Classification Sherloc (09022015). Collection method: clinical testing. Allele origin: germline.
Comment: In summary, the available evidence is currently insufficient to determine the role of this variant in disease. Therefore, it has been classified as a Variant of Uncertain Significance. Algorithms developed to predict the effect of missense changes on protein structure and function are either unavailable or do not agree on the potential impact of this missense change (SIFT: "Deleterious"; PolyPhen-2: "Benign"; Align-GVGD: "Class C65"). This variant has not been reported in the literature in individuals with SMARCB1-related conditions. This variant is not present in population databases (ExAC no frequency). This sequence change replaces serine with alanine at codon 284 of the SMARCB1 protein (p.Ser284Ala). The serine residue is highly conserved and there is a moderate physicochemical difference between serine and alanine.

NM_003073.5(SMARCB1):c.850T>G (p.Ser284Ala)

Gene: SMARCB1 (SWI/SNF related BAF chromatin remodeling complex subunit B1; plus strand). Cytogenetic location: 22q11.23.
Variant type: single nucleotide variant.
Coding change: c.850T>G on transcript NM_003073.5 (MANE Select); coding-DNA position 850, T replaced by G.
Protein change: p.Ser284Ala; replaces serine 284 with alanine.
Molecular consequence: missense variant.
Genome position (GRCh38, 1-based): chr22:23,825,279, T>G. VCF-style: chr22-23825279-T-G. GRCh37 (hg19) VCF-style: chr22-24167466-T-G.
Other names: c.823T>G, p.Ser275Ala (NM_001007468.3); c.877T>G, p.Ser293Ala (NM_001317946.2); c.904T>G, p.Ser302Ala (NM_001362877.2); short protein forms S275A, S284A, S293A, S302A.
Identifiers: ClinVar variation 1054902 (VCV001054902.9), dbSNP rs2146026778, ClinGen allele CA410907046.
Genomic context (GRCh38, chr22:23,825,279, plus strand): 5'-CCTCAGCTGAACATCCATGTGGGAAACATTTCCCTGGTGGACCAGTTTGAGTGGGACATG[T>G]CAGAGAAGGAGAACTCACCAGAGAAGTTTGCCCTGAAGCTGTGCTCGGAGCTGGGGTTGG-3'
Protein context (NP_003064.2, residues 274-294): SLVDQFEWDM[Ser284Ala]EKENSPEKFA